The following is an entry in ClinVar:

ClinVar aggregate classification (germline): Uncertain significance. Review status: criteria provided, multiple submitters, no conflicts (2 of 4 stars). 2 submissions from 2 submitters: Uncertain significance (2). Last evaluated 2025-09-19.

Conditions:
DDB1-related disorder. Also called: DDB1-related condition.

Submissions (2):

PreventionGenetics, part of Exact Sciences
Classification: Uncertain significance for DDB1-related condition. Last evaluated: 2025-09-19. Review status: criteria provided, single submitter. Criteria: ACMG Guidelines, 2015. Collection method: clinical testing. Allele origin: germline.
Comment: The DDB1 c.925T>A variant is predicted to result in the amino acid substitution p.Ser309Thr. To our knowledge, this variant has not been reported in the literature. This variant is reported in 0.0062% of alleles in individuals of African descent in gnomAD. At this time, the clinical significance of this variant is uncertain due to the absence of conclusive functional and genetic evidence.

Ambry Genetics
Classification: Uncertain significance. Last evaluated: 2025-08-14. Review status: criteria provided, single submitter. Criteria: Ambry Variant Classification Scheme 2023. Collection method: clinical testing. Allele origin: germline.

NM_001923.5(DDB1):c.925T>A (p.Ser309Thr)

Gene: DDB1 (damage specific DNA binding protein 1; minus strand). Cytogenetic location: 11q12.2.
Variant type: single nucleotide variant.
Coding change: c.925T>A on transcript NM_001923.5 (MANE Select); coding-DNA position 925, T replaced by A.
Protein change: p.Ser309Thr; replaces serine 309 with threonine.
Molecular consequence: missense variant.
Genome position (GRCh38, 1-based): chr11:61,323,091, A>T on the plus strand (T>A on the coding strand, the complement: DDB1 is on the minus strand). VCF-style: chr11-61323091-A-T. GRCh37 (hg19) VCF-style: chr11-61090563-A-T.
Other names: short protein forms S309T.
Identifiers: ClinVar variation 4238344 (VCV004238344.2).